The following is an entry in ClinVar:

NM_002739.5(PRKCG):c.1081A>G (p.Ser361Gly)

Gene: PRKCG (protein kinase C gamma; plus strand). Cytogenetic location: 19q13.42.
Variant type: single nucleotide variant.
Coding change: c.1081A>G on transcript NM_002739.5 (MANE Select); coding-DNA position 1081, A replaced by G.
Protein change: p.Ser361Gly; replaces serine 361 with glycine.
Molecular consequence: missense variant.
Genome position (GRCh38, 1-based): chr19:53,898,100, A>G. VCF-style: chr19-53898100-A-G. GRCh37 (hg19) VCF-style: chr19-54401354-A-G.
Other names: c.1081a>g; c.1081A>G, p.Ser361Gly (LRG_669t1, NM_001316329.2); short protein forms S361G.
Identifiers: ClinVar variation 13250 (VCV000013250.4), dbSNP rs121918517, ClinGen allele CA341272.
Genomic context (GRCh38, chr19:53,898,100, plus strand): 5'-GCGAGTCCAGGACGCCTGCACATCTCCGACTTCAGCTTCCTCATGGTTCTAGGAAAAGGC[A>G]GTTTTGGGAAGGTTGGATTCCTGGGGTTCTGGGGGAAAGGGAGGATGTCTGTGGGAAGGT-3'
Protein context (NP_002730.1, residues 351-371): FSFLMVLGKG[Ser361Gly]FGKVMLAERR

ClinVar aggregate classification (germline): Likely pathogenic. Review status: criteria provided, single submitter (1 of 4 stars). 3 submissions from 3 submitters: Likely pathogenic (1). 2 of the submissions do not count toward it. Last evaluated 2019-11-22.

Conditions:
Spinocerebellar ataxia type 14 (SCA14). Identifiers: Orphanet 98763, MedGen C1854369, MONDO:0011540, OMIM 605361.

Submissions (3):

Athena Diagnostics
Classification: Likely pathogenic. Last evaluated: 2019-11-22. Review status: criteria provided, single submitter. Criteria: Athena Diagnostics Criteria. Collection method: clinical testing. Allele origin: unknown.
Comment: Not found in the total gnomAD dataset, and the data is high quality. Found in at least one patient with expected phenotype for this gene. Predicted to have a damaging effect on the protein. Assessment of experimental evidence suggests this variant results in abnormal protein function

GeneReviews
Classification: Pathogenic for Spinocerebellar Ataxia Type14. Last evaluated: 2013-04-18. Review status: no assertion criteria provided. Collection method: curation. Allele origin: unknown. Not counted in ClinVar's aggregate classification.
ClinVar note: Converted during submission from pathologic to Pathogenic.

OMIM
Classification: Pathogenic for SPINOCEREBELLAR ATAXIA 14. Last evaluated: 2005-04-12. Review status: no assertion criteria provided. Collection method: literature only. Allele origin: germline. Not counted in ClinVar's aggregate classification.

Literature cited by the submitters: PubMed 15824357 (cited by Athena Diagnostics and OMIM); PubMed 24937631 (cited by Athena Diagnostics); PubMed 18499672 (cited by Athena Diagnostics).